The following is an entry in ClinVar:

ClinVar aggregate classification (germline): Likely pathogenic (1 of 4 stars; one submission).

Conditions:
Autosomal recessive juvenile Parkinson disease 2. Also called: PRKN-Related Early-Onset Parkinson Disease; Parkinson disease, juvenile, type 2; PARKINSON DISEASE, JUVENILE, AUTOSOMAL RECESSIVE; Parkinson disease autosomal recessive, early onset; Juvenile parkinsonism; Parkinsonism, early onset, with diurnal fluctuation. Identifiers: Orphanet 2828, MedGen C1868675, MONDO:0010820, OMIM 600116.

Submission:

Institute of Human Genetics, University of Goettingen
Classification: Likely pathogenic for Autosomal recessive juvenile Parkinson disease 2. Last evaluated: 2024-09-16. Review status: criteria provided, single submitter. Criteria: ACMG Guidelines, 2015. Collection method: clinical testing. Allele origin: unknown. Inheritance: Autosomal recessive inheritance. Observed: 1 heterozygote.
Comment: The variant c.954_957dup (p.(Ala320Trpfs*28)) in exon 9 of the PRKN gene is not found in the gnomAD database and changes the protein sequence at position Ala320 and interrupts the reading frame prematurely. No second variant in PRKN was detected. Truncating variants in PRKN are a known mechanism of disease. ACMG criteria used for classification: PS2, PM2_sup.

NM_004562.3(PRKN):c.954_957dup (p.Ala320fs)

Gene: PRKN (parkin RBR E3 ubiquitin protein ligase; minus strand). Cytogenetic location: 6q26.
Variant type: Duplication.
Coding change: c.954_957dup on transcript NM_004562.3 (MANE Select); coding-DNA positions 954 to 957, 4 bases duplicated (TGGT; older notation c.954_957dupTGGT).
Protein change: p.Ala320fs; shifts the reading frame from alanine 320.
Molecular consequence: frameshift variant.
Genome position (GRCh38, 1-based): chr6:161,548,980-161,548,983, ACCA duplicated on the plus strand (TGGT on the coding strand, the reverse complement: PRKN is on the minus strand). VCF-style (leftmost placement, unchanged base first): chr6-161548979-C-CACCA. GRCh37 (hg19) VCF-style: chr6-161970011-C-CACCA.
Other names: c.870_873dup, p.Ala292fs (NM_013987.3); c.507_510dup, p.Ala171fs (NM_013988.3); short protein forms A171fs, A292fs, A320fs.
Identifiers: ClinVar variation 3340465 (VCV003340465.2), dbSNP rs1779896481.